The following is an entry in ClinVar:

NM_000321.3(RB1):c.2663G>C (p.Ser888Thr)

Gene: RB1 (RB transcriptional corepressor 1; plus strand). Cytogenetic location: 13q14.2.
Variant type: single nucleotide variant.
Coding change: c.2663G>C on transcript NM_000321.3 (MANE Select); coding-DNA position 2663, G replaced by C.
Protein change: p.Ser888Thr; replaces serine 888 with threonine.
Molecular consequence: missense variant.
Genome position (GRCh38, 1-based): chr13:48,476,843, G>C. VCF-style: chr13-48476843-G-C. GRCh37 (hg19) VCF-style: chr13-49050979-G-C.
Other names: c.2663G>C, p.Ser888Thr (NM_001407165.1); c.113G>C, p.Ser38Thr (NM_001407168.1); short protein forms S888T, S38T.
Identifiers: ClinVar variation 3663254 (VCV003663254.2).

ClinVar aggregate classification (germline): Likely pathogenic (1 of 4 stars; one submission).

Conditions:
Retinoblastoma (RB1). Also called: RETINOBLASTOMA, SOMATIC. Identifiers: Orphanet 790, MedGen C0035335, MeSH D012175, MONDO:0008380, OMIM 180200, HP:0009919. Disease mechanism: loss of function. Inheritance: Both sporadic and heritable forms are tested..

Submission:

Labcorp Genetics (formerly Invitae), Labcorp
Classification: Likely pathogenic for Retinoblastoma. Last evaluated: 2024-08-22. Review status: criteria provided, single submitter. Criteria: Invitae Variant Classification Sherloc (09022015). Collection method: clinical testing. Allele origin: germline.
Comment: This sequence change replaces serine, which is neutral and polar, with threonine, which is neutral and polar, at codon 888 of the RB1 protein (p.Ser888Thr). This variant also falls at the last nucleotide of exon 25, which is part of the consensus splice site for this exon. This variant is not present in population databases (gnomAD no frequency). This missense change has been observed in individual(s) with bilateral multifocal retinoblastoma (internal data). An algorithm developed to predict the effect of missense changes on protein structure and function (PolyPhen-2) suggests that this variant is likely to be disruptive. Variants that disrupt the consensus splice site are a relatively common cause of aberrant splicing (PMID: 17576681, 9536098). Algorithms developed to predict the effect of sequence changes on RNA splicing suggest that this variant may disrupt the consensus splice site. This variant disrupts the c.2663G nucleotide in the RB1 gene. Other variant(s) that disrupt this nucleotide have been determined to be pathogenic (PMID: 9536098, 17576681, 24225018, 27879208, 34190019). This suggests that this nucleotide is clinically significant, and that variants that disrupt this position are likely to be disease-causing. In summary, the currently available evidence indicates that the variant is pathogenic, but additional data are needed to prove that conclusively. Therefore, this variant has been classified as Likely Pathogenic.

Literature cited by the submitters: PubMed 17576681; PubMed 9536098; PubMed 24225018; PubMed 27879208; PubMed 34190019.